The following is an entry in ClinVar:

NM_015175.3(NBEAL2):c.1764G>A (p.Ala588=)

Gene: NBEAL2 (neurobeachin like 2; plus strand). Cytogenetic location: 3p21.31.
Variant type: single nucleotide variant.
Coding change: c.1764G>A on transcript NM_015175.3 (MANE Select); coding-DNA position 1764, G replaced by A.
Protein change: p.Ala588=; no amino-acid change (alanine 588 retained).
Molecular consequence: synonymous variant.
Genome position (GRCh38, 1-based): chr3:46,995,499, G>A. VCF-style: chr3-46995499-G-A. GRCh37 (hg19) VCF-style: chr3-47036989-G-A.
Other names: c.1662G>A, p.Ala554= (NM_001365116.2); c.1764G>A (NM_015175.1).
Identifiers: ClinVar variation 902466 (VCV000902466.8), dbSNP rs776191203, ClinGen allele CA2360452.

ClinVar aggregate classification (germline): Conflicting classifications of pathogenicity. Review status: criteria provided, conflicting classifications (1 of 4 stars). 4 submissions from 4 submitters: Uncertain significance (1); Likely benign (2). 1 of the submissions does not count toward it. Last evaluated 2024-11-11.

Conditions:
NBEAL2-related disorder. Also called: NBEAL2-related condition.
Gray platelet syndrome (GPS). Also called: BLEEDING DISORDER, PLATELET-TYPE, 4. Identifiers: Orphanet 721, MedGen C0272302, MONDO:0007686, OMIM 139090.
Inborn genetic diseases. Identifiers: MedGen C0950123, MeSH D030342.

Allele frequency attached by ClinVar (database versions not stated): gnomAD exomes 0.00006 and 0.00015; gnomAD 0.00007; TOPMed 0.00007; ExAC 0.00008.
gnomAD v4.1: 231 of 1,612,762 alleles (0.014%); highest among the groups gnomAD compares: Non-Finnish European, 0.018%; no homozygotes.

Submissions (4):

Blueprint Genetics
Classification: Likely benign. Last evaluated: 2024-11-11. Review status: criteria provided, single submitter. Criteria: ACMG Guidelines, 2015. Collection method: clinical testing. Allele origin: germline.

Ambry Genetics
Classification: Likely benign for Inborn genetic diseases. Last evaluated: 2024-03-01. Review status: criteria provided, single submitter. Criteria: Ambry Variant Classification Scheme 2023. Collection method: clinical testing. Allele origin: germline.

Illumina Laboratory Services, Illumina
Classification: Uncertain significance for Gray platelet syndrome. Last evaluated: 2018-01-12. Review status: criteria provided, single submitter. Criteria: ICSL Variant Classification Criteria 13 December 2019. Collection method: clinical testing. Allele origin: germline.

PreventionGenetics, part of Exact Sciences
Classification: Likely benign for NBEAL2-related condition. Last evaluated: 2019-03-26. Review status: no assertion criteria provided. Collection method: clinical testing. Allele origin: germline. Not counted in ClinVar's aggregate classification.
Comment: This variant is classified as likely benign based on ACMG/AMP sequence variant interpretation guidelines (Richards et al. 2015 PMID: 25741868, with internal and published modifications).